The following is an entry in ClinVar:

NM_001267550.2(TTN):c.55079C>T (p.Pro18360Leu)

Genes: TTN (titin; minus strand), TTN-AS1 (TTN antisense RNA 1; plus strand). Cytogenetic location: 2q31.2.
Variant type: single nucleotide variant.
Coding change: c.55079C>T on transcript NM_001267550.2 (MANE Select); coding-DNA position 55079, C replaced by T.
Protein change: p.Pro18360Leu; replaces proline 18360 with leucine.
Molecular consequence: missense variant.
Genome position (GRCh38, 1-based): chr2:178,602,323, G>A on the plus strand (C>T on the coding strand, the complement: TTN is on the minus strand). VCF-style: chr2-178602323-G-A. GRCh37 (hg19) VCF-style: chr2-179467050-G-A.
Other names: p.P16719L:CCA>CTA; c.50156C>T, p.Pro16719Leu (NM_001256850.1); c.27884C>T, p.Pro9295Leu (NM_003319.4); c.47375C>T, p.Pro15792Leu (NM_133378.4); c.28259C>T, p.Pro9420Leu (NM_133432.3); c.28460C>T, p.Pro9487Leu (NM_133437.4); short protein forms P16719L, P18360L, P15792L, P9420L, P9295L, P9487L.
Identifiers: ClinVar variation 202722 (VCV000202722.27), dbSNP rs192788942, ClinGen allele CA310086.
Genomic context (GRCh38, chr2:178,602,323, plus strand): 5'-ACTGAGTAAGTACTAGTACCTTGAATATCAGTGGCAGGGATCTCCCCAGTTGTATCACTT[G>A]GTTCAGATTCACCAGCTTCATTGACAGCTTTCACTCTGAATCTGTACTTCCTGAGCTCTT-3'
Protein context (NP_001254479.2, residues 18350-18370): KAVNEAGESE[Pro18360Leu]SDTTGEIPAT

ClinVar aggregate classification (germline): Conflicting classifications of pathogenicity. Review status: criteria provided, conflicting classifications (1 of 4 stars). 9 submissions from 9 submitters: Uncertain significance (2); Likely benign (6). 1 of the submissions does not count toward it. Last evaluated 2026-02-04.

Conditions:
TTN-related disorder. Also called: TTN-related disorders; TTN-related condition; TTN-related disease.
Cardiovascular phenotype. Identifiers: MedGen CN230736.
Autosomal recessive limb-girdle muscular dystrophy type 2J (LGMDR10). Also called: Limb-girdle muscular dystrophy, type 2J; MUSCULAR DYSTROPHY, LIMB-GIRDLE, AUTOSOMAL RECESSIVE 10. Identifiers: Orphanet 140922, MedGen C1837342, MONDO:0012127, OMIM 608807.
Dilated cardiomyopathy 1G (CMD1G). Identifiers: Orphanet 154, MedGen C1858763, MONDO:0011400, OMIM 604145.

Allele frequency attached by ClinVar (database versions not stated): gnomAD exomes 0.00004 and 0.00012; ExAC 0.00019; gnomAD 0.00050 and 0.00051; TOPMed 0.00060; ESP Exome Variant Server 0.00075; 1000 Genomes Project 0.00080; 1000 Genomes Project 30x 0.00094.
gnomAD v4.1: 143 of 1,612,862 alleles (0.0089%); highest among the groups gnomAD compares: African/African-American, 0.17%; no homozygotes.

Submissions (9):

Labcorp Genetics (formerly Invitae), Labcorp
Classification: Likely benign for Dilated cardiomyopathy 1G; Autosomal recessive limb-girdle muscular dystrophy type 2J. Last evaluated: 2026-02-04. Review status: criteria provided, single submitter. Criteria: Invitae Variant Classification Sherloc (09022015). Collection method: clinical testing. Allele origin: germline.

Women's Health and Genetics/Laboratory Corporation of America, LabCorp
Classification: Likely benign. Last evaluated: 2025-02-10. Review status: criteria provided, single submitter. Criteria: LabCorp Variant Classification Summary - May 2015. Collection method: clinical testing. Allele origin: germline.
Comment: Variant summary: TTN c.47375C>T (p.Pro15792Leu) results in a non-conservative amino acid change in the encoded protein sequence. Four of four in-silico tools predict a damaging effect of the variant on protein function. The variant allele was found at a frequency of 0.00012 in 247956 control chromosomes, predominantly at a frequency of 0.0016 within the African or African-American subpopulation in the gnomAD database. The observed variant frequency within African or African-American control individuals in the gnomAD database is approximately 4 fold of the estimated maximal expected allele frequency for a pathogenic variant in TTN causing Dilated Cardiomyopathy phenotype (0.00039). To our knowledge, no occurrence of c.47375C>T in individuals affected with Dilated Cardiomyopathy and no experimental evidence demonstrating its impact on protein function have been reported. ClinVar contains an entry for this variant (Variation ID: 202722). Based on the evidence outlined above, the variant was classified as likely benign.

Revvity Omics, Revvity
Classification: Uncertain significance. Last evaluated: 2024-12-26. Review status: criteria provided, single submitter. Criteria: ACMG Guidelines, 2015. Collection method: clinical testing. Allele origin: germline.

Blueprint Genetics
Classification: Likely benign. Last evaluated: 2024-11-26. Review status: criteria provided, single submitter. Criteria: ACMG Guidelines, 2015. Collection method: clinical testing. Allele origin: germline.

Ambry Genetics
Classification: Likely benign for Cardiovascular phenotype. Last evaluated: 2018-09-07. Review status: criteria provided, single submitter. Criteria: Ambry Variant Classification Scheme 2023. Collection method: clinical testing. Allele origin: germline.

Eurofins Ntd Llc (ga)
Classification: Uncertain significance. Last evaluated: 2018-07-03. Review status: criteria provided, single submitter. Criteria: EGL ClinVar v180209 classification definitions. Collection method: clinical testing. Allele origin: germline. Observed: 2 variant alleles, 2 heterozygotes.

Laboratory for Molecular Medicine, Mass General Brigham Personalized Medicine
Classification: Likely benign. Last evaluated: 2018-02-07. Review status: criteria provided, single submitter. Criteria: LMM Criteria. Collection method: clinical testing. Allele origin: germline. Observed: 1 variant allele.
Comment: p.Pro15792Leu in exon 232 of TTN: This variant is not expected to have clinical significance because it has been identified in 0.16% (39/23974) of African chrom osomes by the Genome Aggregation Database (GnomAD. org; dbSNP rs192788942). ACMG/AMP Criteria applied: PP3, BS1.

GeneDx
Classification: Likely benign. Last evaluated: 2017-12-22. Review status: criteria provided, single submitter. Criteria: GeneDx Variant Classification (06012015). Collection method: clinical testing. Allele origin: germline. Affected: yes.
Comment: This variant is considered likely benign or benign based on one or more of the following criteria: it is a conservative change, it occurs at a poorly conserved position in the protein, it is predicted to be benign by multiple in silico algorithms, and/or has population frequency not consistent with disease.

PreventionGenetics, part of Exact Sciences
Classification: Likely benign for TTN-related condition. Last evaluated: 2024-04-17. Review status: no assertion criteria provided. Collection method: clinical testing. Allele origin: germline. Not counted in ClinVar's aggregate classification.
Comment: This variant is classified as likely benign based on ACMG/AMP sequence variant interpretation guidelines (Richards et al. 2015 PMID: 25741868, with internal and published modifications).